The following is an entry in ClinVar:

ClinVar aggregate classification (germline): Conflicting classifications of pathogenicity. Review status: criteria provided, conflicting classifications (1 of 4 stars). 7 submissions from 5 submitters: Uncertain significance (5); Likely benign (1). 1 of the submissions does not count toward it. Last evaluated 2025-10-06.

Conditions:
NPHP1-related disorder. Also called: NPHP1-related condition; NPHP1-related disorders.
Nephronophthisis. Also called: Juvenile Nephronophthisis. Identifiers: Orphanet 655, MedGen C0687120, MONDO:0019005, HP:0000090.
Joubert syndrome with renal defect. Also called: JOUBERT SYNDROME 4. Identifiers: Orphanet 220497, MedGen C1846790, MONDO:0012308, OMIM 609583.
Senior-Loken syndrome 1 (SLSN1). Also called: JUVENILE NEPHRONOPHTHISIS WITH LEBER AMAUROSIS. Identifiers: Orphanet 3156, MedGen C4551559, MONDO:0009962, OMIM 266900.
Nephronophthisis 1 (NPHP1). Also called: Nephronophthisis familial juvenile. Identifiers: Orphanet 655, Orphanet 93592, MedGen C1855681, MONDO:0009728, OMIM 256100.

Allele frequency attached by ClinVar (database versions not stated): ExAC 0.00005; gnomAD 0.00005; TOPMed 0.00006; 1000 Genomes Project 30x 0.00016; 1000 Genomes Project 0.00020.
gnomAD v4.1: 51 of 1,614,084 alleles (0.0032%); highest among the groups gnomAD compares: Middle Eastern, 0.033%; no homozygotes.

Submissions (7):

Labcorp Genetics (formerly Invitae), Labcorp
Classification: Uncertain significance for Nephronophthisis. Last evaluated: 2025-10-06. Review status: criteria provided, single submitter. Criteria: Invitae Variant Classification Sherloc (09022015). Collection method: clinical testing. Allele origin: germline.
Comment: This sequence change affects codon 700 of the NPHP1 mRNA. It is a 'silent' change, meaning that it does not change the encoded amino acid sequence of the NPHP1 protein. This variant is present in population databases (rs200631256, gnomAD 0.03%). This variant has been observed in individual(s) with clinical features of Bardet-Biedl syndrome (internal data). In at least one individual the data is consistent with being in trans (on the opposite chromosome) from a pathogenic variant. It has also been observed to segregate with disease in related individuals. ClinVar contains an entry for this variant (Variation ID: 330727). Algorithms developed to predict the effect of sequence changes on RNA splicing suggest that this variant is not likely to affect RNA splicing. In summary, the available evidence is currently insufficient to determine the role of this variant in disease. Therefore, it has been classified as a Variant of Uncertain Significance.

Blueprint Genetics
Classification: Likely benign. Last evaluated: 2024-06-25. Review status: criteria provided, single submitter. Criteria: ACMG Guidelines, 2015. Collection method: clinical testing. Allele origin: germline.

Illumina Laboratory Services, Illumina
Classification: Uncertain significance for Senior-Loken syndrome 1. Last evaluated: 2018-01-13. Review status: criteria provided, single submitter. Criteria: ICSL Variant Classification Criteria 13 December 2019. Collection method: clinical testing. Allele origin: germline.

Illumina Laboratory Services, Illumina
Classification: Uncertain significance for Nephronophthisis 1. Last evaluated: 2018-01-13. Review status: criteria provided, single submitter. Criteria: ICSL Variant Classification Criteria 13 December 2019. Collection method: clinical testing. Allele origin: germline.

Illumina Laboratory Services, Illumina
Classification: Uncertain significance for Joubert syndrome with renal defect. Last evaluated: 2018-01-13. Review status: criteria provided, single submitter. Criteria: ICSL Variant Classification Criteria 13 December 2019. Collection method: clinical testing. Allele origin: germline.

Eurofins Ntd Llc (ga)
Classification: Uncertain significance. Last evaluated: 2017-12-06. Review status: criteria provided, single submitter. Criteria: EGL Classification Definitions 2015. Collection method: clinical testing. Allele origin: germline. Observed: 1 variant allele, 1 heterozygote.

PreventionGenetics, part of Exact Sciences
Classification: Likely benign for NPHP1-related condition. Last evaluated: 2022-08-17. Review status: no assertion criteria provided. Collection method: clinical testing. Allele origin: germline. Not counted in ClinVar's aggregate classification.
Comment: This variant is classified as likely benign based on ACMG/AMP sequence variant interpretation guidelines (Richards et al. 2015 PMID: 25741868, with internal and published modifications).

NM_001128178.3(NPHP1):c.1932C>T (p.Gly644=)

Gene: NPHP1 (nephrocystin 1; minus strand). Cytogenetic location: 2q13.
Variant type: single nucleotide variant.
Coding change: c.1932C>T on transcript NM_001128178.3 (MANE Select); coding-DNA position 1932, C replaced by T.
Protein change: p.Gly644=; no amino-acid change (glycine 644 retained).
Molecular consequence: synonymous variant. On other transcripts: 3 prime UTR variant (1).
Genome position (GRCh38, 1-based): chr2:110,123,893, G>A on the plus strand (C>T on the coding strand, the complement: NPHP1 is on the minus strand). VCF-style: chr2-110123893-G-A. GRCh37 (hg19) VCF-style: chr2-110881470-G-A.
Other names: c.2100C>T, p.Gly700= (NM_000272.5); c.1743C>T, p.Gly581= (NM_001128179.3); c.1929C>T, p.Gly643= (NM_001374256.1); c.*174C>T (NM_001374257.1); c.2097C>T, p.Gly699= (NM_207181.4).
Identifiers: ClinVar variation 330727 (VCV000330727.19), dbSNP rs200631256, ClinGen allele CA1826844.